The following is an entry in ClinVar:

NM_001048174.2(MUTYH):c.542A>T (p.Gln181Leu)

Gene: MUTYH (mutY DNA glycosylase; minus strand). Cytogenetic location: 1p34.1.
Variant type: single nucleotide variant.
Coding change: c.542A>T on transcript NM_001048174.2 (MANE Select); coding-DNA position 542, A replaced by T.
Protein change: p.Gln181Leu; replaces glutamine 181 with leucine.
Molecular consequence: missense variant. On other transcripts: non-coding transcript variant (7).
Genome position (GRCh38, 1-based): chr1:45,332,638, T>A on the plus strand (A>T on the coding strand, the complement: MUTYH is on the minus strand). VCF-style: chr1-45332638-T-A. GRCh37 (hg19) VCF-style: chr1-45798310-T-A.
Other names: c.542A>T, p.Gln181Leu (NM_001048171.2, NM_001048173.2, NM_001407072.1 and 6 more transcripts); c.545A>T, p.Gln182Leu (NM_001048172.2, NM_001407071.1, NM_001407078.1 and 1 more transcripts); c.626A>T, p.Gln209Leu (NM_001128425.2); c.458A>T, p.Gln153Leu (NM_001407075.1); c.575A>T, p.Gln192Leu (NM_001407077.1, NM_001293191.2, NM_001407069.1); c.503A>T, p.Gln168Leu (NM_001407079.1); c.500A>T, p.Gln167Leu (NM_001407080.1); c.197A>T, p.Gln66Leu (NM_001407082.1, NM_001350650.2, NM_001350651.2); and 5 more; short protein forms Q181L, Q182L, Q192L, Q195L, Q206L, Q153L, Q188L, Q66L.
Identifiers: ClinVar variation 4113770 (VCV004113770.1).

ClinVar aggregate classification (germline): Uncertain significance (1 of 4 stars; one submission).

Conditions:
Hereditary cancer-predisposing syndrome. Also called: Hereditary neoplastic syndrome; Neoplastic Syndromes, Hereditary; Tumor predisposition; Hereditary Cancer Syndrome. Identifiers: Orphanet 140162, MedGen C0027672, MeSH D009386, MONDO:0015356.

Submission:

Ambry Genetics
Classification: Uncertain significance for Hereditary cancer-predisposing syndrome. Last evaluated: 2025-08-27. Review status: criteria provided, single submitter. Criteria: Ambry Variant Classification Scheme 2023. Collection method: clinical testing. Allele origin: germline.
Comment: The p.Q209L variant (also known as c.626A>T), located in coding exon 8 of the MUTYH gene, results from an A to T substitution at nucleotide position 626. The glutamine at codon 209 is replaced by leucine, an amino acid with dissimilar properties. This amino acid position is conserved. In addition, the in silico prediction for this alteration is inconclusive. Based on the available evidence, the clinical significance of this variant remains unclear.